The following is an entry in ClinVar:

ClinVar aggregate classification (germline): Likely benign. Review status: criteria provided, multiple submitters, no conflicts (2 of 4 stars). 8 submissions from 7 submitters: Likely benign (6). 2 of the submissions do not count toward it. Last evaluated 2025-07-23.

Conditions:
Adams-Oliver syndrome 5 (AOS5). Identifiers: Orphanet 974, MedGen C4014970, MONDO:0014459, OMIM 616028.
Aortic valve disease 1 (AOVD1). Identifiers: MedGen C3887892, MONDO:0024523, OMIM 109730.
Familial thoracic aortic aneurysm and aortic dissection (TAAD). Also called: Thoracic aortic aneurysms and dissections. Identifiers: Orphanet 91387, MedGen C4707243, MONDO:0019625.

Allele frequency attached by ClinVar (database versions not stated): gnomAD 0.00004; gnomAD exomes 0.00005 and 0.00007; ExAC 0.00012; TOPMed 0.00003.
gnomAD v4.1: 73 of 1,613,148 alleles (0.0045%); highest among the groups gnomAD compares: South Asian, 0.018%; 1 homozygote.

Submissions (8):

Labcorp Genetics (formerly Invitae), Labcorp
Classification: Likely benign for Adams-Oliver syndrome 5. Last evaluated: 2025-07-23. Review status: criteria provided, single submitter. Criteria: Invitae Variant Classification Sherloc (09022015). Collection method: clinical testing. Allele origin: germline.

Blueprint Genetics
Classification: Likely benign. Last evaluated: 2024-10-29. Review status: criteria provided, single submitter. Criteria: ACMG Guidelines, 2015. Collection method: clinical testing. Allele origin: germline.

Genome-Nilou Lab
Classification: Likely benign for Adams-Oliver syndrome 5. Last evaluated: 2022-03-15. Review status: criteria provided, single submitter. Criteria: ACMG Guidelines, 2015. Collection method: clinical testing. Allele origin: germline. Affected: no.

Genome-Nilou Lab
Classification: Likely benign for Aortic valve disease 1. Last evaluated: 2022-03-15. Review status: criteria provided, single submitter. Criteria: ACMG Guidelines, 2015. Collection method: clinical testing. Allele origin: germline. Affected: no.

Ambry Genetics
Classification: Likely benign for Familial thoracic aortic aneurysm and aortic dissection. Last evaluated: 2019-08-08. Review status: criteria provided, single submitter. Criteria: Ambry Variant Classification Scheme 2023. Collection method: clinical testing. Allele origin: germline.

GeneDx
Classification: Likely benign. Last evaluated: 2018-04-24. Review status: criteria provided, single submitter. Criteria: GeneDx Variant Classification (06012015). Collection method: clinical testing. Allele origin: germline. Affected: yes.
Comment: This variant is considered likely benign or benign based on one or more of the following criteria: it is a conservative change, it occurs at a poorly conserved position in the protein, it is predicted to be benign by multiple in silico algorithms, and/or has population frequency not consistent with disease.

Clinical Genetics DNA and cytogenetics Diagnostics Lab, Erasmus MC, Erasmus Medical Center
Classification: Likely benign. Review status: no assertion criteria provided. Collection method: clinical testing. Allele origin: germline. Affected: yes. Study: VKGL Data-share Consensus. Not counted in ClinVar's aggregate classification.

Genome Diagnostics Laboratory, University Medical Center Utrecht
Classification: Likely benign. Review status: no assertion criteria provided. Collection method: clinical testing. Allele origin: germline. Affected: yes. Study: VKGL Data-share Consensus. Not counted in ClinVar's aggregate classification.

NM_017617.5(NOTCH1):c.2772C>T (p.Asp924=)

Gene: NOTCH1 (notch receptor 1; minus strand). Cytogenetic location: 9q34.3.
Variant type: single nucleotide variant.
Coding change: c.2772C>T on transcript NM_017617.5 (MANE Select); coding-DNA position 2772, C replaced by T.
Protein change: p.Asp924=; no amino-acid change (aspartic acid 924 retained).
Molecular consequence: synonymous variant.
Genome position (GRCh38, 1-based): chr9:136,509,930, G>A on the plus strand (C>T on the coding strand, the complement: NOTCH1 is on the minus strand). VCF-style: chr9-136509930-G-A. GRCh37 (hg19) VCF-style: chr9-139404382-G-A.
Identifiers: ClinVar variation 682158 (VCV000682158.15), dbSNP rs762732089, ClinGen allele CA5341149.
Genomic context (GRCh38, chr9:136,509,930, plus strand): 5'-CTCCTCACAGAAAGTGCCCCGGAAGCCGGGCAGGCAGTCGCAGAAGGCCGTGTTGATGCC[G>A]TCTGTGCAGGAGCCCCCGTTGTGACACGGGTCTGGGAGAGGACGGAAGGGTGAGTGTGAG-3'
Protein context (NP_060087.3, residues 914-934): NPCHNGGSCT[Asp924=]GINTAFCDCL